The following is an entry in ClinVar:

ClinVar aggregate classification (germline): Benign/Likely benign. Review status: criteria provided, multiple submitters, no conflicts (2 of 4 stars). 6 submissions from 6 submitters: Benign (1); Likely benign (5). Last evaluated 2025-09-08.

Conditions:
Hereditary cancer-predisposing syndrome. Also called: Neoplastic Syndromes, Hereditary; Tumor predisposition; Hereditary Cancer Syndrome; Hereditary neoplastic syndrome. Identifiers: Orphanet 140162, MedGen C0027672, MeSH D009386, MONDO:0015356.
Familial cancer of breast. Also called: BREAST CANCER, FAMILIAL; Hereditary breast cancer; hereditary breast carcinoma. Identifiers: Orphanet 227535, MedGen C0346153, MONDO:0016419, OMIM 114480. Disease mechanism: loss of function.

Allele frequency attached by ClinVar (database versions not stated): TOPMed below 0.00001; ExAC 0.00001; gnomAD exomes 0.00001.

Submissions (6):

Labcorp Genetics (formerly Invitae), Labcorp
Classification: Likely benign for Familial cancer of breast. Last evaluated: 2025-09-08. Review status: criteria provided, single submitter. Criteria: Invitae Variant Classification Sherloc (09022015). Collection method: clinical testing. Allele origin: germline.

Myriad Genetics, Inc.
Classification: Benign for Familial cancer of breast. Last evaluated: 2024-07-22. Review status: criteria provided, single submitter. Criteria: Myriad Autosomal Dominant, Autosomal Recessive and X-Linked Classification Criteria (2023). Collection method: clinical testing. Allele origin: unknown.
Comment: This variant is considered benign. This variant is a silent/synonymous amino acid change and it is not expected to impact splicing.

Women's Health and Genetics/Laboratory Corporation of America, LabCorp
Classification: Likely benign. Last evaluated: 2022-07-08. Review status: criteria provided, single submitter. Criteria: LabCorp Variant Classification Summary - May 2015. Collection method: clinical testing. Allele origin: germline.

Quest Diagnostics Nichols Institute San Juan Capistrano
Classification: Likely benign. Last evaluated: 2019-12-17. Review status: criteria provided, single submitter. Criteria: Quest Diagnostics criteria. Collection method: clinical testing. Allele origin: unknown.

Color Diagnostics, LLC DBA Color Health
Classification: Likely benign for Hereditary cancer-predisposing syndrome. Last evaluated: 2017-11-23. Review status: criteria provided, single submitter. Criteria: ACMG Guidelines, 2015. Collection method: clinical testing. Allele origin: germline.

Ambry Genetics
Classification: Likely benign for Hereditary cancer-predisposing syndrome. Last evaluated: 2016-02-18. Review status: criteria provided, single submitter. Criteria: Ambry Variant Classification Scheme 2023. Collection method: clinical testing. Allele origin: germline.

NM_000465.4(BARD1):c.615G>A (p.Lys205=)

Gene: BARD1 (BRCA1 associated RING domain 1; minus strand). Cytogenetic location: 2q35.
Variant type: single nucleotide variant.
Coding change: c.615G>A on transcript NM_000465.4 (MANE Select); coding-DNA position 615, G replaced by A.
Protein change: p.Lys205=; no amino-acid change (lysine 205 retained).
Molecular consequence: synonymous variant. On other transcripts: non-coding transcript variant (2), intron variant (3).
Genome position (GRCh38, 1-based): chr2:214,781,259, C>T on the plus strand (G>A on the coding strand, the complement: BARD1 is on the minus strand). VCF-style: chr2-214781259-C-T. GRCh37 (hg19) VCF-style: chr2-215645983-C-T.
Other names: c.558G>A, p.Lys186= (NM_001282543.2); c.158+28153G>A (NM_001282548.2); c.215+15802G>A (NM_001282545.2); c.364+11038G>A (NM_001282549.2).
Identifiers: ClinVar variation 482774 (VCV000482774.21), dbSNP rs766609646, ClinGen allele CA2090401.